The following is an entry in ClinVar:

NM_003924.4(PHOX2B):c.260C>T (p.Thr87Met)

Gene: PHOX2B (paired like homeobox 2B; minus strand). Cytogenetic location: 4p13.
Variant type: single nucleotide variant.
Coding change: c.260C>T on transcript NM_003924.4 (MANE Select); coding-DNA position 260, C replaced by T.
Protein change: p.Thr87Met; replaces threonine 87 with methionine.
Molecular consequence: missense variant.
Genome position (GRCh38, 1-based): chr4:41,747,518, G>A on the plus strand (C>T on the coding strand, the complement: PHOX2B is on the minus strand). VCF-style: chr4-41747518-G-A. GRCh37 (hg19) VCF-style: chr4-41749535-G-A.
Other names: short protein forms T87M.
Identifiers: ClinVar variation 3931847 (VCV003931847.1).

ClinVar aggregate classification (germline): Uncertain significance (1 of 4 stars; one submission).

Conditions:
Hereditary cancer-predisposing syndrome. Also called: Tumor predisposition; Hereditary neoplastic syndrome; Hereditary Cancer Syndrome; Neoplastic Syndromes, Hereditary. Identifiers: Orphanet 140162, MedGen C0027672, MeSH D009386, MONDO:0015356.

Submission:

Ambry Genetics
Classification: Uncertain significance for Hereditary cancer-predisposing syndrome. Last evaluated: 2025-04-28. Review status: criteria provided, single submitter. Criteria: Ambry Variant Classification Scheme 2023. Collection method: clinical testing. Allele origin: germline.
Comment: The p.T87M variant (also known as c.260C>T), located in coding exon 2 of the PHOX2B gene, results from a C to T substitution at nucleotide position 260. The threonine at codon 87 is replaced by methionine, an amino acid with similar properties. This amino acid position is conserved. In addition, the in silico prediction for this alteration is inconclusive. Based on the available evidence, the clinical significance of this variant remains unclear.